The following is an entry in ClinVar:

NM_006070.6(TFG):c.338G>T (p.Arg113Leu)

Gene: TFG (trafficking from ER to golgi regulator; plus strand). Cytogenetic location: 3q12.2.
Variant type: single nucleotide variant.
Coding change: c.338G>T on transcript NM_006070.6 (MANE Select); coding-DNA position 338, G replaced by T.
Protein change: p.Arg113Leu; replaces arginine 113 with leucine.
Molecular consequence: missense variant.
Genome position (GRCh38, 1-based): chr3:100,728,781, G>T. VCF-style: chr3-100728781-G-T. GRCh37 (hg19) VCF-style: chr3-100447625-G-T.
Other names: c.338G>T, p.Arg113Leu (NM_001007565.2, NM_001195478.2, NM_001195479.2); short protein forms R113L.
Identifiers: ClinVar variation 2934582 (VCV002934582.3), dbSNP rs1423123429, ClinGen allele CA353842540.

ClinVar aggregate classification (germline): Uncertain significance (1 of 4 stars; one submission).

Conditions:
Hereditary motor and sensory neuropathy, Okinawa type (HMSNO). Also called: HEREDITARY MOTOR AND SENSORY NEUROPATHY, PROXIMAL TYPE. Identifiers: Orphanet 90117, MedGen C1858338, MONDO:0011468, OMIM 604484.
Hereditary spastic paraplegia 57. Also called: Spastic paraplegia 57, autosomal recessive. Identifiers: Orphanet 431329, MedGen C3714897, MONDO:0014295, OMIM 615658.

gnomAD v4.1: 1 of 1,613,020 alleles (0.000062%); highest among the groups gnomAD compares: East Asian, 0.0022%; no homozygotes.

Submission:

Labcorp Genetics (formerly Invitae), Labcorp
Classification: Uncertain significance for Hereditary motor and sensory neuropathy, Okinawa type; Hereditary spastic paraplegia 57. Last evaluated: 2023-10-22. Review status: criteria provided, single submitter. Criteria: Invitae Variant Classification Sherloc (09022015). Collection method: clinical testing. Allele origin: germline.
Comment: This sequence change replaces arginine, which is basic and polar, with leucine, which is neutral and non-polar, at codon 113 of the TFG protein (p.Arg113Leu). This variant is not present in population databases (gnomAD no frequency). This variant has not been reported in the literature in individuals affected with TFG-related conditions. Advanced modeling of protein sequence and biophysical properties (such as structural, functional, and spatial information, amino acid conservation, physicochemical variation, residue mobility, and thermodynamic stability) performed at Invitae indicates that this missense variant is expected to disrupt TFG protein function. In summary, the available evidence is currently insufficient to determine the role of this variant in disease. Therefore, it has been classified as a Variant of Uncertain Significance.